The following is an entry in ClinVar:

NM_017534.6(MYH2):c.2383C>A (p.Gln795Lys)

Genes: MYH2 (myosin heavy chain 2; minus strand), MYHAS (myosin heavy chain gene cluster antisense RNA; plus strand). Cytogenetic location: 17p13.1.
Variant type: single nucleotide variant.
Coding change: c.2383C>A on transcript NM_017534.6 (MANE Select); coding-DNA position 2383, C replaced by A.
Protein change: p.Gln795Lys; replaces glutamine 795 with lysine.
Molecular consequence: missense variant.
Genome position (GRCh38, 1-based): chr17:10,533,343, G>T on the plus strand (C>A on the coding strand, the complement: MYH2 is on the minus strand). VCF-style: chr17-10533343-G-T. GRCh37 (hg19) VCF-style: chr17-10436660-G-T.
Other names: c.2383C>A, p.Gln795Lys (NM_001100112.2); short protein forms Q795K.
Identifiers: ClinVar variation 2824541 (VCV002824541.3), dbSNP rs2508441098, ClinGen allele CA398148172.

ClinVar aggregate classification (germline): Uncertain significance (1 of 4 stars; one submission).

Conditions:
Myopathy, proximal, and ophthalmoplegia (CMYO6). Also called: MYOPATHY WITH CONGENITAL JOINT CONTRACTURES, OPHTHALMOPLEGIA, AND RIMMED VACUOLES; INCLUSION BODY MYOPATHY 3, AUTOSOMAL DOMINANT; CONGENITAL MYOPATHY 6 WITH OPHTHALMOPLEGIA. Identifiers: Orphanet 363677, Orphanet 79091, MedGen C1854106, MONDO:0011577, OMIM 605637.

Submission:

Labcorp Genetics (formerly Invitae), Labcorp
Classification: Uncertain significance for Myopathy, proximal, and ophthalmoplegia. Last evaluated: 2022-12-27. Review status: criteria provided, single submitter. Criteria: Invitae Variant Classification Sherloc (09022015). Collection method: clinical testing. Allele origin: germline.
Comment: In summary, the available evidence is currently insufficient to determine the role of this variant in disease. Therefore, it has been classified as a Variant of Uncertain Significance. Advanced modeling of protein sequence and biophysical properties (such as structural, functional, and spatial information, amino acid conservation, physicochemical variation, residue mobility, and thermodynamic stability) performed at Invitae indicates that this missense variant is expected to disrupt MYH2 protein function. This variant has not been reported in the literature in individuals affected with MYH2-related conditions. This variant is not present in population databases (gnomAD no frequency). This sequence change replaces glutamine, which is neutral and polar, with lysine, which is basic and polar, at codon 795 of the MYH2 protein (p.Gln795Lys).